The following is an entry in ClinVar:

NM_003190.5(TAPBP):c.481G>A (p.Val161Ile)

Gene: TAPBP (TAP binding protein; minus strand). Cytogenetic location: 6p21.32.
Variant type: single nucleotide variant.
Coding change: c.481G>A on transcript NM_003190.5 (MANE Select); coding-DNA position 481, G replaced by A.
Protein change: p.Val161Ile; replaces valine 161 with isoleucine.
Molecular consequence: missense variant.
Genome position (GRCh38, 1-based): chr6:33,305,376, C>T on the plus strand (G>A on the coding strand, the complement: TAPBP is on the minus strand). VCF-style: chr6-33305376-C-T. GRCh37 (hg19) VCF-style: chr6-33273153-C-T.
Other names: c.481G>A, p.Val161Ile (NM_172208.3, NM_001410875.1); c.220G>A, p.Val74Ile (NM_172209.3); short protein forms V161I, V74I.
Identifiers: ClinVar variation 2866272 (VCV002866272.3), dbSNP rs2536728878, ClinGen allele CA363692086.
Genomic context (GRCh38, chr6:33,305,376, plus strand): 5'-TCAAGTCCAGCAGAGCATCTTGTCCCAGTCTCACTCGAGGGGCAGGGGTGTGGGTGAGGA[C>T]AGTCAGTACCACTGAGGAAGACAGGGAGATGAGGGGTTGGGAGGGGCATGAGGGAGAGAA-3'
Protein context (NP_003181.3, residues 151-171): LITMATVVLT[Val161Ile]LTHTPAPRVR

ClinVar aggregate classification (germline): Uncertain significance (1 of 4 stars; one submission).

Conditions:
MHC class I deficiency. Identifiers: Orphanet 34592, MedGen C6024714, MONDO:0011476.

Submission:

Labcorp Genetics (formerly Invitae), Labcorp
Classification: Uncertain significance for MHC class I deficiency 1. Last evaluated: 2025-07-09. Review status: criteria provided, single submitter. Criteria: Invitae Variant Classification Sherloc (09022015). Collection method: clinical testing. Allele origin: germline.
Comment: This sequence change replaces valine, which is neutral and non-polar, with isoleucine, which is neutral and non-polar, at codon 161 of the TAPBP protein (p.Val161Ile). This variant is not present in population databases (gnomAD no frequency). This variant has not been reported in the literature in individuals affected with TAPBP-related conditions. ClinVar contains an entry for this variant (Variation ID: 2866272). An algorithm developed to predict the effect of missense changes on protein structure and function (PolyPhen-2) suggests that this variant is likely to be disruptive. In summary, the available evidence is currently insufficient to determine the role of this variant in disease. Therefore, it has been classified as a Variant of Uncertain Significance.